The following is an entry in ClinVar:

ClinVar aggregate classification (germline): Uncertain significance (1 of 4 stars; one submission).

Conditions:
Inborn genetic diseases. Identifiers: MedGen C0950123, MeSH D030342.

Submissions (2):

Ambry Genetics
Classification: Uncertain significance for Inborn genetic diseases. Last evaluated: 2025-08-20. Review status: criteria provided, single submitter. Criteria: Ambry Variant Classification Scheme 2023. Collection method: clinical testing. Allele origin: germline.
Comment: The p.M584L variant (also known as c.1750A>C), located in coding exon 11 of the ERCC6L2 gene, results from an A to C substitution at nucleotide position 1750. The methionine at codon 584 is replaced by leucine, an amino acid with highly similar properties. This amino acid position is conserved. In addition, this alteration is predicted to be tolerated by in silico analysis. Based on the available evidence, the clinical significance of this variant remains unclear.

Dr. Peter K. Rogan Lab, Western University
No classification provided (evidence only). Condition: Gastric cancer. Review status: no classification provided. Collection method: in vitro. Allele origin: not applicable. Functional consequence: retained intron. Not counted in ClinVar's aggregate classification.

NM_020207.7(ERCC6L2):c.1750A>C (p.Met584Leu)

Gene: ERCC6L2 (ERCC excision repair 6 like 2; plus strand). Cytogenetic location: 9q22.32.
Variant type: single nucleotide variant.
Coding change: c.1750A>C on transcript NM_020207.7 (MANE Select); coding-DNA position 1750, A replaced by C.
Protein change: p.Met584Leu; replaces methionine 584 with leucine.
Molecular consequence: missense variant. On other transcripts: non-coding transcript variant (1).
Genome position (GRCh38, 1-based): chr9:95,928,863, A>C. VCF-style: chr9-95928863-A-C. GRCh37 (hg19) VCF-style: chr9-98691145-A-C.
Other names: NC_000009.11:g.98691145A>C; c.1750A>C, p.Met584Leu (NM_001010895.4, NM_001375291.1, NM_001375292.1 and 2 more transcripts); short protein forms M584L.
Identifiers: ClinVar variation 4250626 (VCV004250626.2).